The following is an entry in ClinVar:

ClinVar aggregate classification (germline): Benign/Likely benign. Review status: criteria provided, multiple submitters, no conflicts (2 of 4 stars). 3 submissions from 3 submitters: Benign (1); Likely benign (2). Last evaluated 2019-04-20.

Conditions:
GNPTG-mucolipidosis. Also called: ML III GAMMA; ML IIIC; MUCOLIPIDOSIS III, COMPLEMENTATION GROUP C; MUCOLIPIDOSIS III, IRANIAN VARIANT FORM; MUCOLIPIDOSIS III, VARIANT FORM; Mucolipidosis type III gamma. Identifiers: Orphanet 423470, Orphanet 577, MedGen C1854896, MONDO:0009652, OMIM 252605.

Allele frequency attached by ClinVar (database versions not stated): gnomAD exomes 0.00188; gnomAD 0.01401 and 0.01502; TOPMed 0.01591; 1000 Genomes Project 0.01777; 1000 Genomes Project 30x 0.01889.
gnomAD v4.1: 2,963 of 560,480 alleles (0.53%); highest among the groups gnomAD compares: African/African-American, 4.8%; 71 homozygotes.

Submissions (3):

GeneDx
Classification: Likely benign. Last evaluated: 2019-04-20. Review status: criteria provided, single submitter. Criteria: GeneDx Variant Classification Process June 2021. Collection method: clinical testing. Allele origin: germline. Affected: yes.

Illumina Laboratory Services, Illumina
Classification: Benign for GNPTG-mucolipidosis. Last evaluated: 2018-01-12. Review status: criteria provided, single submitter. Criteria: ICSL Variant Classification Criteria 13 December 2019. Collection method: clinical testing. Allele origin: germline.
Comment: This variant was observed in the ICSL laboratory as part of a predisposition screen in an ostensibly healthy population. It had not been previously curated by ICSL or reported in the Human Gene Mutation Database (HGMD: prior to June 1st, 2018), and was therefore a candidate for classification through an automated scoring system. Utilizing variant allele frequency, disease prevalence and penetrance estimates, and inheritance mode, an automated score was calculated to assess if this variant is too frequent to cause the disease. Based on the score and internal cut-off values, a variant classified as benign is not then subjected to further curation. The score for this variant resulted in a classification of benign for this disease.

Breakthrough Genomics
Classification: Likely benign. Review status: criteria provided, single submitter. Criteria: ACMG Guidelines, 2015. Collection method: not provided. Allele origin: germline. Inheritance: Autosomal recessive inheritance. Affected: yes.

NM_032520.5(GNPTG):c.*224T>C

Genes: GNPTG (N-acetylglucosamine-1-phosphate transferase subunit gamma; plus strand), UNKL (unk like zinc finger; minus strand). Cytogenetic location: 16p13.3.
Variant type: single nucleotide variant.
Coding change: c.*224T>C on transcript NM_032520.5 (MANE Select); 224 bases downstream of the stop codon, T replaced by C.
Molecular consequence: 3 prime UTR variant. On other transcripts: non-coding transcript variant (4).
Genome position (GRCh38, 1-based): chr16:1,363,315, T>C. VCF-style: chr16-1363315-T-C. GRCh37 (hg19) VCF-style: chr16-1413316-T-C.
Other names: c.*2925A>G (NM_001193388.4, NM_001193389.2, NM_001276414.2 and 2 more transcripts); c.*2986A>G (NM_001370526.1).
Identifiers: ClinVar variation 317900 (VCV000317900.9), dbSNP rs7192408, ClinGen allele CA10637010.
Genomic context (GRCh38, chr16:1,363,315, plus strand): 5'-AATTCTGTAAACCATTGCATAAATGCTATAGTGTAAAAAAATTTAAACAAGTGTTAACTT[T>C]AAACAGTTCGCTACAAGTAAATGATTATAAATACTACCTTCTGGGTTAAGAAAATTCCAT-3'